The following is an entry in ClinVar:

ClinVar aggregate classification (germline): Uncertain significance (1 of 4 stars; one submission).

Submission:

Labcorp Genetics (formerly Invitae), Labcorp
Classification: Uncertain significance. Last evaluated: 2020-10-19. Review status: criteria provided, single submitter. Criteria: Invitae Variant Classification Sherloc (09022015). Collection method: clinical testing. Allele origin: germline.
Comment: Algorithms developed to predict the effect of missense changes on protein structure and function are either unavailable or do not agree on the potential impact of this missense change (SIFT: "Deleterious"; PolyPhen-2: "Not Available"; Align-GVGD: "Class C55"). This variant has not been reported in the literature in individuals with PDZD7-related conditions. This variant is not present in population databases (ExAC no frequency). This sequence change replaces glutamic acid with lysine at codon 117 of the PDZD7 protein (p.Glu117Lys). The glutamic acid residue is highly conserved and there is a small physicochemical difference between glutamic acid and lysine. In summary, the available evidence is currently insufficient to determine the role of this variant in disease. Therefore, it has been classified as a Variant of Uncertain Significance.

NM_001195263.2(PDZD7):c.349G>A (p.Glu117Lys)

Gene: PDZD7 (PDZ domain containing 7; minus strand). Cytogenetic location: 10q24.31.
Variant type: single nucleotide variant.
Coding change: c.349G>A on transcript NM_001195263.2 (MANE Select); coding-DNA position 349, G replaced by A.
Protein change: p.Glu117Lys; replaces glutamic acid 117 with lysine.
Molecular consequence: missense variant.
Genome position (GRCh38, 1-based): chr10:101,023,946, C>T on the plus strand (G>A on the coding strand, the complement: PDZD7 is on the minus strand). VCF-style: chr10-101023946-C-T. GRCh37 (hg19) VCF-style: chr10-102783703-C-T.
Other names: c.349G>A, p.Glu117Lys (NM_001351044.2, NM_024895.5); short protein forms E117K.
Identifiers: ClinVar variation 1062077 (VCV001062077.9), dbSNP rs2134104386, ClinGen allele CA378230883.